The following is an entry in ClinVar:

NM_006662.3(SRCAP):c.7376del (p.Pro2459fs)

Gene: SRCAP (Snf2 related CREBBP activator protein; plus strand). Cytogenetic location: 16p11.2.
Variant type: Deletion.
Coding change: c.7376del on transcript NM_006662.3 (MANE Select); coding-DNA position 7376, one base deleted (C; older notation c.7376delC).
Protein change: p.Pro2459fs; shifts the reading frame from proline 2459.
Molecular consequence: frameshift variant.
Genome position (GRCh38, 1-based): chr16:30,737,416, C deleted; the last of 2 consecutive C bases (chr16:30,737,415-30,737,416); deleting either gives the same sequence. VCF-style (leftmost placement, unchanged base first): chr16-30737414-TC-T. GRCh37 (hg19) VCF-style: chr16-30748735-TC-T.
Other names: c.7376del (NM_006662.2); c.7376delC (NM_006662.2); short protein forms P2459fs.
Identifiers: ClinVar variation 520734 (VCV000520734.7), dbSNP rs1555465942, ClinGen allele CA658798595.
Genomic context (GRCh38, chr16:30,737,414, plus strand): 5'-GCCAGCACCTAGGCCTCGACCCACTCCAGCTTCAGCTCCGGCTGCAATTCCTGCCCTTGT[TC>T]CTGTCCCAGTTTCTGCCCCAGTACCCATTTCAGCCCCAAATCCAATAACCATTCTCCCTG-3'

ClinVar aggregate classification (germline): Pathogenic/Likely pathogenic. Review status: criteria provided, multiple submitters, no conflicts (2 of 4 stars). 4 submissions from 4 submitters: Pathogenic (2); Likely pathogenic (2). Last evaluated 2024-12-16.

Conditions:
Floating-Harbor syndrome (FLHS). Also called: SRCAP-Related Floating-Harbor Syndrome; Short stature with delayed bone age, expressive language delay, a triangular face with a prominent nose and deep-set eyes; Pelletier-Leisti syndrome. Identifiers: Orphanet 2044, MedGen C0729582, MONDO:0007621, OMIM 136140.
SRCAP-related disorder. Also called: SRCAP-related condition.
Inborn genetic diseases. Identifiers: MedGen C0950123, MeSH D030342.

Submissions (4):

3billion
Classification: Likely pathogenic for Floating-Harbor syndrome. Last evaluated: 2024-12-16. Review status: criteria provided, single submitter. Criteria: ACMG Guidelines, 2015. Collection method: clinical testing. Allele origin: germline. Affected: yes.
Comment: The variant is not observed in the gnomAD v4.1.0 dataset. Predicted Consequence/Location: Frameshift: predicted to result in a loss or disruption of normal protein function through protein truncation. The predicted truncated protein may be shortened by more than 10%. The variant has been reported at least twice as pathogenic without evidence for the classification (ClinVar ID: VCV000520734 /PMID: 23621943). Therefore, this variant is classified as Likely pathogenic according to the recommendation of ACMG/AMP guideline.

Blueprint Genetics
Classification: Pathogenic for SRCAP-related disorders. Last evaluated: 2024-07-08. Review status: criteria provided, single submitter. Criteria: ACMG Guidelines, 2015. Collection method: clinical testing. Allele origin: germline. Affected: yes. Observed: 1 variant allele.

GeneDx
Classification: Likely pathogenic. Last evaluated: 2024-05-09. Review status: criteria provided, single submitter. Criteria: GeneDx Variant Classification Process June 2021. Collection method: clinical testing. Allele origin: germline. Affected: yes.
Comment: Frameshift variant predicted to result in abnormal protein length as the last 772 amino acids are replaced with 15 different amino acids, and other similar variants have been reported in HGMD; Not observed at significant frequency in large population cohorts (gnomAD); This variant is associated with the following publications: (PMID: 23621943, 32546215)

Ambry Genetics
Classification: Pathogenic for Inborn genetic diseases. Last evaluated: 2015-07-16. Review status: criteria provided, single submitter. Criteria: Ambry exome assertion method (8-5-2015). Collection method: clinical testing. Allele origin: germline. Affected: yes. Observed: 1 variant allele.

Literature cited by the submitters: PubMed 23621943 (cited by 3billion).